The following is an entry in ClinVar:

NM_001142966.3(GREB1L):c.3840G>A (p.Glu1280=)

Gene: GREB1L (GREB1 like retinoic acid receptor coactivator; plus strand). Cytogenetic location: 18q11.2.
Variant type: single nucleotide variant.
Coding change: c.3840G>A on transcript NM_001142966.3 (MANE Select); coding-DNA position 3840, G replaced by A.
Protein change: p.Glu1280=; no amino-acid change (glutamic acid 1280 retained).
Molecular consequence: synonymous variant.
Genome position (GRCh38, 1-based): chr18:21,500,177, G>A. VCF-style: chr18-21500177-G-A. GRCh37 (hg19) VCF-style: chr18-19080138-G-A.
Other names: c.3969G>A, p.Glu1323= (NM_001410867.1); c.3513G>A, p.Glu1171= (NM_001410868.1).
Identifiers: ClinVar variation 3030696 (VCV003030696.2), dbSNP rs1229709026, ClinGen allele CA503518907.

ClinVar aggregate classification (germline): Likely benign (0 of 4 stars; one submission).

Conditions:
GREB1L-related disorder. Also called: GREB1L-related condition.

Submission:

PreventionGenetics, part of Exact Sciences
Classification: Likely benign for GREB1L-related condition. Last evaluated: 2021-03-02. Review status: no assertion criteria provided. Collection method: clinical testing. Allele origin: germline.
Comment: This variant is classified as likely benign based on ACMG/AMP sequence variant interpretation guidelines (Richards et al. 2015 PMID: 25741868, with internal and published modifications).